The following is an entry in ClinVar:

ClinVar aggregate classification (germline): Uncertain significance. Review status: criteria provided, multiple submitters, no conflicts (2 of 4 stars). 2 submissions from 2 submitters: Uncertain significance (2). Last evaluated 2024-08-20.

Conditions:
Inborn genetic diseases. Identifiers: MedGen C0950123, MeSH D030342.

Allele frequency attached by ClinVar (database versions not stated): gnomAD exomes below 0.00001.

Submissions (2):

Women's Health and Genetics/Laboratory Corporation of America, LabCorp
Classification: Uncertain significance. Last evaluated: 2024-08-20. Review status: criteria provided, single submitter. Criteria: LabCorp Variant Classification Summary - May 2015. Collection method: clinical testing. Allele origin: germline.
Comment: Variant summary: SPTLC1 c.1297G>T (p.Glu433X) results in a premature termination codon, predicted to cause a truncation of the encoded protein, although nonsense mediated decay is not predicted. Current evidence is not sufficient to establish loss of function as a mechanism for disease. The variant was absent in 251468 control chromosomes. The available data on variant occurrences in the general population are insufficient to allow any conclusion about variant significance. To our knowledge, no occurrence of c.1297G>T in individuals affected with Neuropathy, Hereditary Sensory And Autonomic, Type 1A and no experimental evidence demonstrating its impact on protein function have been reported. ClinVar contains an entry for this variant (Variation ID: 1769248). Based on the evidence outlined above, the variant was classified as uncertain significance.

Ambry Genetics
Classification: Uncertain significance for Inborn genetic diseases. Last evaluated: 2022-02-10. Review status: criteria provided, single submitter. Criteria: Ambry Variant Classification Scheme 2023. Collection method: clinical testing. Allele origin: germline.
Comment: The p.E433* variant (also known as c.1297G>T), located in coding exon 14 of the SPTLC1 gene, results from a G to T substitution at nucleotide position 1297. This changes the amino acid from a glutamic acid to a stop codon within coding exon 14. This alteration is expected to result in premature protein truncation or nonsense-mediated mRNA decay. However, loss of function of SPTLC1 has not been clearly established as a mechanism of disease. Since supporting evidence is limited at this time, the clinical significance of this alteration remains unclear.

NM_006415.4(SPTLC1):c.1297G>T (p.Glu433Ter)

Gene: SPTLC1 (serine palmitoyltransferase long chain base subunit 1; minus strand). Cytogenetic location: 9q22.31.
Variant type: single nucleotide variant.
Coding change: c.1297G>T on transcript NM_006415.4 (MANE Select); coding-DNA position 1297, G replaced by T.
Protein change: p.Glu433Ter; replaces glutamic acid 433 with a stop codon.
Molecular consequence: nonsense.
Genome position (GRCh38, 1-based): chr9:92,034,841, C>A on the plus strand (G>T on the coding strand, the complement: SPTLC1 is on the minus strand). VCF-style: chr9-92034841-C-A. GRCh37 (hg19) VCF-style: chr9-94797123-C-A.
Other names: c.1297G>T, p.Glu433Ter (NM_001281303.2); c.931G>T, p.Glu311Ter (NM_001368272.1); c.832G>T, p.Glu278Ter (NM_001368273.1); short protein forms E433*, E278*, E311*.
Identifiers: ClinVar variation 1769248 (VCV001769248.3), dbSNP rs2538368187, ClinGen allele CA373789747.